The following is an entry in ClinVar:

ClinVar aggregate classification (germline): Uncertain significance. Review status: criteria provided, multiple submitters, no conflicts (2 of 4 stars). 2 submissions from 2 submitters: Uncertain significance (2). Last evaluated 2022-05-06.

Conditions:
Inborn genetic diseases. Identifiers: MedGen C0950123, MeSH D030342.

Allele frequency attached by ClinVar (database versions not stated): gnomAD exomes below 0.00001; ExAC 0.00001; TOPMed 0.00002; gnomAD 0.00003; ESP Exome Variant Server 0.00008.
gnomAD v4.1: 8 of 1,613,916 alleles (0.0005%); highest among the groups gnomAD compares: African/African-American, 0.011%; no homozygotes.

Submissions (2):

Ambry Genetics
Classification: Uncertain significance for Inborn genetic diseases. Last evaluated: 2022-05-06. Review status: criteria provided, single submitter. Criteria: Ambry Variant Classification Scheme 2023. Collection method: clinical testing. Allele origin: germline.

Labcorp Genetics (formerly Invitae), Labcorp
Classification: Uncertain significance. Last evaluated: 2022-02-20. Review status: criteria provided, single submitter. Criteria: Invitae Variant Classification Sherloc (09022015). Collection method: clinical testing. Allele origin: germline.
Comment: This sequence change replaces isoleucine, which is neutral and non-polar, with threonine, which is neutral and polar, at codon 492 of the FTO protein (p.Ile492Thr). This variant is present in population databases (rs138241079, gnomAD 0.02%). This variant has not been reported in the literature in individuals affected with FTO-related conditions. Algorithms developed to predict the effect of missense changes on protein structure and function output the following: SIFT: "Deleterious"; PolyPhen-2: "Benign"; Align-GVGD: "Class C0". The threonine amino acid residue is found in multiple mammalian species, which suggests that this missense change does not adversely affect protein function. In summary, the available evidence is currently insufficient to determine the role of this variant in disease. Therefore, it has been classified as a Variant of Uncertain Significance.

NM_001080432.3(FTO):c.1475T>C (p.Ile492Thr)

Gene: FTO (FTO alpha-ketoglutarate dependent dioxygenase; plus strand). Cytogenetic location: 16q12.2.
Variant type: single nucleotide variant.
Coding change: c.1475T>C on transcript NM_001080432.3 (MANE Select); coding-DNA position 1475, T replaced by C.
Protein change: p.Ile492Thr; replaces isoleucine 492 with threonine.
Molecular consequence: missense variant.
Genome position (GRCh38, 1-based): chr16:54,111,872, T>C. VCF-style: chr16-54111872-T-C. GRCh37 (hg19) VCF-style: chr16-54145784-T-C.
Other names: c.1505T>C, p.Ile502Thr (NM_001363891.2); c.1538T>C, p.Ile513Thr (NM_001363894.2); c.1457T>C, p.Ile486Thr (NM_001363896.2); c.1397T>C, p.Ile466Thr (NM_001363897.2); c.1361T>C, p.Ile454Thr (NM_001363898.2, NM_001363899.2); c.1331T>C, p.Ile444Thr (NM_001363900.2, NM_001363901.2); c.*75T>C (NM_001363903.2); c.962T>C, p.Ile321Thr (NM_001363905.2); and 1 more; short protein forms I321T, I444T, I454T, I466T, I486T, I492T, I502T, I513T.
Identifiers: ClinVar variation 2344813 (VCV002344813.5), dbSNP rs138241079, ClinGen allele CA8058640.